The following is an entry in ClinVar:

NM_007294.4(BRCA1):c.2125_2126insAGT (p.Phe709Ter)

Gene: BRCA1 (BRCA1 DNA repair associated; minus strand). Cytogenetic location: 17q21.31.
Variant type: Insertion.
Coding change: c.2125_2126insAGT on transcript NM_007294.4 (MANE Select); coding-DNA positions 2125 to 2126, AGT inserted.
Protein change: p.Phe709Ter; replaces phenylalanine 709 with a stop codon.
Molecular consequence: nonsense. On other transcripts: intron variant (137).
Genome position: GRCh38 VCF-style: chr17-43093405-A-AACT. GRCh37 (hg19) VCF-style: chr17-41245422-A-AACT.
Other names: 2244insAGT; c.2125_2126insAGT, p.Phe709Ter (NM_007294.3, NM_001407858.1, NM_001407859.1 and 31 more transcripts); c.1981_1982insAGT, p.Phe661Ter (NM_001407839.1, NM_001407841.1, NM_001407842.1 and 20 more transcripts); c.2122_2123insAGT, p.Phe708Ter (NM_001407860.1, NM_001407861.1, NM_001407587.1 and 22 more transcripts); c.1924_1925insAGT, p.Phe642Ter (NM_001407862.1); c.2002_2003insAGT, p.Phe668Ter (NM_001407863.1, NM_001407939.1, NM_001407674.1 and 19 more transcripts); c.1921_1922insAGT, p.Phe641Ter (NM_001407874.1, NM_001407875.1); c.1912_1913insAGT, p.Phe638Ter (NM_001407896.1, NM_001407897.1, NM_001407898.1 and 9 more transcripts); and 42 more; short protein forms F662*, F709*, F582*, F620*, F621*, F706*, F581*, F598*.
Identifiers: ClinVar variation 266220 (VCV000266220.15), dbSNP rs1555590428, ClinGen allele CA10589892.

ClinVar aggregate classification (germline): Pathogenic. Review status: reviewed by expert panel (3 of 4 stars). 5 submissions from 5 submitters: Pathogenic (1). 4 of the submissions do not count toward it. Last evaluated 2016-10-18.

Conditions:
Hereditary breast ovarian cancer syndrome. Also called: Hereditary breast and ovarian cancer syndrome (HBOC); Breast and ovarian cancer; Hereditary breast and ovarian cancer syndrome; Hereditary breast and ovarian cancer; BRCA1- and BRCA2-Associated Hereditary Breast and Ovarian Cancer; Hereditary breast and/or ovarian cancer syndrome. Identifiers: Orphanet 145, MedGen C0677776, MeSH D061325, MONDO:0003582. Disease mechanism: loss of function.
Breast-ovarian cancer, familial, susceptibility to, 1 (BROVCA1). Also called: BRCA1 Hereditary Breast and Ovarian Cancer; OVARIAN CANCER, SUSCEPTIBILITY TO. Identifiers: Orphanet 145, MedGen C2676676, MONDO:0011450, OMIM 604370. Disease mechanism: loss of function.
Hereditary cancer-predisposing syndrome. Also called: Hereditary Cancer Syndrome; Neoplastic Syndromes, Hereditary; Hereditary neoplastic syndrome; Tumor predisposition. Identifiers: Orphanet 140162, MedGen C0027672, MeSH D009386, MONDO:0015356.

Submissions (5):

Evidence-based Network for the Interpretation of Germline Mutant Alleles (ENIGMA)
Classification: Pathogenic for Breast-ovarian cancer, familial, susceptibility to, 1. Last evaluated: 2016-10-18. Review status: reviewed by expert panel. Criteria: ENIGMA BRCA1/2 Classification Criteria (2015). Collection method: curation. Allele origin: germline.
Comment: Variant allele predicted to encode a truncated non-functional protein.

Ambry Genetics
Classification: Pathogenic for Hereditary cancer-predisposing syndrome. Last evaluated: 2025-06-11. Review status: criteria provided, single submitter. Criteria: Ambry Variant Classification Scheme 2023. Collection method: clinical testing. Allele origin: germline. Not counted in ClinVar's aggregate classification.
Comment: The c.2125_2126insAGT pathogenic mutation (also known as p.S708_F709ins*), located in coding exon 9 of the BRCA1 gene, results from an in-frame AGT insertion at nucleotide positions 2125 to 2126. This results in the insertion of stop codon between codons 708 and 709. This variant was identified in a large, worldwide study of BRCA1/2 mutation positive families (Rebbeck TR et al. Hum. Mutat., 2018 05;39:593-620). This variant was also reported in an individual with breast cancer who had a relative with ovarian cancer (Crawford B et al. Breast Cancer Res. Treat., 2017 Jun;163:383-390). This variant is considered to be rare based on population cohorts in the Genome Aggregation Database (gnomAD). In addition to the clinical data presented in the literature, this alteration is expected to result in loss of function by premature protein truncation or nonsense-mediated mRNA decay. As such, this alteration is interpreted as a disease-causing mutation.

Labcorp Genetics (formerly Invitae), Labcorp
Classification: Pathogenic for Hereditary breast ovarian cancer syndrome. Last evaluated: 2023-05-15. Review status: criteria provided, single submitter. Criteria: Invitae Variant Classification Sherloc (09022015). Collection method: clinical testing. Allele origin: germline. Not counted in ClinVar's aggregate classification.
Comment: This sequence change creates a premature translational stop signal (p.Phe709*) in the BRCA1 gene. It is expected to result in an absent or disrupted protein product. Loss-of-function variants in BRCA1 are known to be pathogenic (PMID: 20104584). This variant is not present in population databases (gnomAD no frequency). This premature translational stop signal has been observed in individual(s) with breast cancer (PMID: 28281021). ClinVar contains an entry for this variant (Variation ID: 266220). For these reasons, this variant has been classified as Pathogenic.

Quest Diagnostics Nichols Institute San Juan Capistrano
Classification: Pathogenic. Last evaluated: 2019-07-16. Review status: criteria provided, single submitter. Criteria: Quest Diagnostics criteria. Collection method: clinical testing. Allele origin: germline. Not counted in ClinVar's aggregate classification.
Comment: The variant creates a premature nonsense codon, and is therefore predicted to result in the loss of a functional protein. Found in at least one symptomatic patient in literature, and not found in general population data.

Consortium of Investigators of Modifiers of BRCA1/2 (CIMBA), c/o University of Cambridge
Classification: Pathogenic for Breast-ovarian cancer, familial, susceptibility to, 1. Last evaluated: 2015-10-02. Review status: criteria provided, single submitter. Criteria: CIMBA Mutation Classification guidelines May 2016. Collection method: clinical testing. Allele origin: germline. Not counted in ClinVar's aggregate classification.

Literature cited by the submitters: PubMed 28281021 (cited by 3 submitters); PubMed 29446198 (cited by Ambry Genetics); PubMed 20104584 (cited by Labcorp Genetics (formerly Invitae), Labcorp).